The following is an entry in ClinVar:

ClinVar aggregate classification (germline): Uncertain significance (1 of 4 stars; one submission).

Submission:

Ambry Genetics
Classification: Uncertain significance. Last evaluated: 2023-12-22. Review status: criteria provided, single submitter. Criteria: Ambry Variant Classification Scheme 2023. Collection method: clinical testing. Allele origin: germline.
Comment: The p.T657N variant (also known as c.1970C>A), located in coding exon 13 of the CTNNA3 gene, results from a C to A substitution at nucleotide position 1970. The threonine at codon 657 is replaced by asparagine, an amino acid with similar properties. This amino acid position is conserved. In addition, this alteration is predicted to be tolerated by in silico analysis. Since supporting evidence is limited at this time, the clinical significance of this alteration remains unclear.

NM_013266.4(CTNNA3):c.1970C>A (p.Thr657Asn)

Genes: CTNNA3-AS1 (CTNNA3 antisense RNA 1; plus strand), CTNNA3 (catenin alpha 3; minus strand). Cytogenetic location: 10q21.3.
Variant type: single nucleotide variant.
Coding change: c.1970C>A on transcript NM_013266.4 (MANE Select); coding-DNA position 1970, C replaced by A.
Protein change: p.Thr657Asn; replaces threonine 657 with asparagine.
Molecular consequence: missense variant.
Genome position (GRCh38, 1-based): chr10:66,103,164, G>T on the plus strand (C>A on the coding strand, the complement: CTNNA3 is on the minus strand). VCF-style: chr10-66103164-G-T. GRCh37 (hg19) VCF-style: chr10-67862922-G-T.
Other names: c.1970C>A, p.Thr657Asn (NM_001127384.3); short protein forms T657N.
Identifiers: ClinVar variation 3226230 (VCV003226230.1), dbSNP rs2493340521, ClinGen allele CA377090645.